The following is an entry in ClinVar:

NM_000065.5(C6):c.1066C>T (p.Arg356Ter)

Gene: C6 (complement C6; minus strand). Cytogenetic location: 5p13.1.
Variant type: single nucleotide variant.
Coding change: c.1066C>T on transcript NM_000065.5 (MANE Select); coding-DNA position 1066, C replaced by T.
Protein change: p.Arg356Ter; replaces arginine 356 with a stop codon.
Molecular consequence: nonsense.
Genome position (GRCh38, 1-based): chr5:41,176,577, G>A on the plus strand (C>T on the coding strand, the complement: C6 is on the minus strand). VCF-style: chr5-41176577-G-A. GRCh37 (hg19) VCF-style: chr5-41176679-G-A.
Other names: c.1066C>T, p.Arg356Ter (NM_001115131.4); short protein forms R356*.
Identifiers: ClinVar variation 2794864 (VCV002794864.3), dbSNP rs751375135, ClinGen allele CA3252581.

ClinVar aggregate classification (germline): Pathogenic (1 of 4 stars; one submission).

Allele frequency attached by ClinVar (database versions not stated): ExAC 0.00002; TOPMed 0.00001; gnomAD exomes 0.00002.
gnomAD v4.1: 31 of 1,613,850 alleles (0.0019%); highest among the groups gnomAD compares: Non-Finnish European, 0.0025%; no homozygotes.

Submission:

Labcorp Genetics (formerly Invitae), Labcorp
Classification: Pathogenic. Last evaluated: 2025-02-03. Review status: criteria provided, single submitter. Criteria: Invitae Variant Classification Sherloc (09022015). Collection method: clinical testing. Allele origin: germline.
Comment: This sequence change creates a premature translational stop signal (p.Arg356*) in the C6 gene. It is expected to result in an absent or disrupted protein product. Loss-of-function variants in C6 are known to be pathogenic (PMID: 17257682). This variant is present in population databases (rs751375135, gnomAD 0.004%). This variant has not been reported in the literature in individuals affected with C6-related conditions. ClinVar contains an entry for this variant (Variation ID: 2794864). For these reasons, this variant has been classified as Pathogenic.

Literature cited by the submitters: PubMed 17257682.